The following is an entry in ClinVar:

ClinVar aggregate classification (germline): Uncertain significance (1 of 4 stars; one submission).

Conditions:
Blepharophimosis-impaired intellectual development syndrome. Identifiers: Orphanet 637013, MedGen C5443984, MONDO:0859139, OMIM 619293.

Submission:

OLLIN Analises Genomicas, OLLIN
Classification: Uncertain significance for Blepharophimosis-impaired intellectual development syndrome. Last evaluated: 2026-08-06. Review status: criteria provided, single submitter. Criteria: ACMG Guidelines 2015 PMID 25741868. Collection method: clinical testing. Allele origin: germline. Inheritance: Autosomal dominant inheritance.
Comment: This missense variant, located in exon 9 (of 34), is absent from gnomAD and ClinVar and has not been identified in the literature. In silico analysis predicts that this variant has a tolerated effect. This gene is constrained for missense variation. According to the currently available evidence, this variant has been classified as uncertain significance (PM2_P, PP2, BP4).

NM_003070.5(SMARCA2):c.1642A>C (p.Lys548Gln)

Gene: SMARCA2 (SWI/SNF related BAF chromatin remodeling complex subunit ATPase 2; plus strand). Cytogenetic location: 9p24.3.
Variant type: single nucleotide variant.
Coding change: c.1642A>C on transcript NM_003070.5 (MANE Select); coding-DNA position 1642, A replaced by C.
Protein change: p.Lys548Gln; replaces lysine 548 with glutamine.
Molecular consequence: missense variant.
Genome position (GRCh38, 1-based): chr9:2,060,936, A>C. VCF-style: chr9-2060936-A-C. GRCh37 (hg19) VCF-style: chr9-2060936-A-C.
Other names: c.1642A>C, p.Lys548Gln (NM_001289396.2, NM_001289397.2, NM_139045.4); short protein forms K548Q.
Identifiers: ClinVar variation 5003075 (VCV005003075.1).